The following is an entry in ClinVar:

ClinVar aggregate classification (germline): Benign. Review status: criteria provided, multiple submitters, no conflicts (2 of 4 stars). 2 submissions from 2 submitters: Benign (2). Last evaluated 2018-06-14.

Allele frequency attached by ClinVar (database versions not stated): gnomAD 0.03527 and 0.03784; TOPMed 0.04028; 1000 Genomes Project 0.04133; 1000 Genomes Project 30x 0.04435.
gnomAD v4.1: 8,992 of 1,152,432 alleles (0.78%); highest among the groups gnomAD compares: African/African-American, 12%; 537 homozygotes.

Submissions (2):

GeneDx
Classification: Benign. Last evaluated: 2018-06-14. Review status: criteria provided, single submitter. Criteria: GeneDx Variant Classification (06012015). Collection method: clinical testing. Allele origin: germline. Affected: yes.
Comment: This variant is considered likely benign or benign based on one or more of the following criteria: it is a conservative change, it occurs at a poorly conserved position in the protein, it is predicted to be benign by multiple in silico algorithms, and/or has population frequency not consistent with disease.

Breakthrough Genomics
Classification: Benign. Review status: criteria provided, single submitter. Criteria: ACMG Guidelines, 2015. Collection method: not provided. Allele origin: germline. Inheritance: Autosomal dominant inheritance. Affected: yes.

NM_020774.4(MIB1):c.1677+90A>T

Gene: MIB1 (MIB E3 ubiquitin protein ligase 1; plus strand). Cytogenetic location: 18q11.2.
Variant type: single nucleotide variant.
Coding change: c.1677+90A>T on transcript NM_020774.4 (MANE Select); 90 bases into the intron after coding-DNA position 1677, A replaced by T.
Molecular consequence: intron variant.
Genome position (GRCh38, 1-based): chr18:21,815,903, A>T. VCF-style: chr18-21815903-A-T. GRCh37 (hg19) VCF-style: chr18-19395864-A-T.
Identifiers: ClinVar variation 679096 (VCV000679096.2), dbSNP rs2959513, ClinGen allele CA297002837.